The following is an entry in ClinVar:

ClinVar aggregate classification (germline): Uncertain significance (1 of 4 stars; one submission).

gnomAD v4.1: 1 of 1,610,774 alleles (0.000062%); highest among the groups gnomAD compares: African/African-American, 0.0013%; no homozygotes.

Submission:

Labcorp Genetics (formerly Invitae), Labcorp
Classification: Uncertain significance. Last evaluated: 2024-11-10. Review status: criteria provided, single submitter. Criteria: Invitae Variant Classification Sherloc (09022015). Collection method: clinical testing. Allele origin: germline.
Comment: This sequence change replaces proline, which is neutral and non-polar, with serine, which is neutral and polar, at codon 1011 of the SI protein (p.Pro1011Ser). This variant is present in population databases (no rsID available, gnomAD 0.01%). This variant has not been reported in the literature in individuals affected with SI-related conditions. Invitae Evidence Modeling of protein sequence and biophysical properties (such as structural, functional, and spatial information, amino acid conservation, physicochemical variation, residue mobility, and thermodynamic stability) indicates that this missense variant is not expected to disrupt SI protein function with a negative predictive value of 95%. In summary, the available evidence is currently insufficient to determine the role of this variant in disease. Therefore, it has been classified as a Variant of Uncertain Significance.

NM_001041.4(SI):c.3031C>T (p.Pro1011Ser)

Gene: SI (sucrase-isomaltase; minus strand). Cytogenetic location: 3q26.1.
Variant type: single nucleotide variant.
Coding change: c.3031C>T on transcript NM_001041.4 (MANE Select); coding-DNA position 3031, C replaced by T.
Protein change: p.Pro1011Ser; replaces proline 1011 with serine.
Molecular consequence: missense variant.
Genome position (GRCh38, 1-based): chr3:165,023,638, G>A on the plus strand (C>T on the coding strand, the complement: SI is on the minus strand). VCF-style: chr3-165023638-G-A. GRCh37 (hg19) VCF-style: chr3-164741426-G-A.
Other names: short protein forms P1011S.
Identifiers: ClinVar variation 3692791 (VCV003692791.2).